The following is an entry in ClinVar:

NM_002693.3(POLG):c.3262G>A (p.Val1088Ile)

Gene: POLG (DNA polymerase gamma, catalytic subunit; minus strand). Cytogenetic location: 15q26.1.
Variant type: single nucleotide variant.
Coding change: c.3262G>A on transcript NM_002693.3 (MANE Select); coding-DNA position 3262, G replaced by A.
Protein change: p.Val1088Ile; replaces valine 1088 with isoleucine.
Molecular consequence: missense variant.
Genome position (GRCh38, 1-based): chr15:89,318,942, C>T on the plus strand (G>A on the coding strand, the complement: POLG is on the minus strand). VCF-style: chr15-89318942-C-T. GRCh37 (hg19) VCF-style: chr15-89862173-C-T.
Other names: c.3262G>A, p.Val1088Ile (NM_001126131.2); short protein forms V1088I.
Identifiers: ClinVar variation 4772298 (VCV004772298.2).

ClinVar aggregate classification (germline): Uncertain significance. Review status: criteria provided, multiple submitters, no conflicts (2 of 4 stars). 2 submissions from 2 submitters: Uncertain significance (2). Last evaluated 2025-07-21.

Conditions:
Progressive sclerosing poliodystrophy (MTDPS4A). Also called: ALPERS PROGRESSIVE INFANTILE POLIODYSTROPHY; NEURONAL DEGENERATION OF CHILDHOOD WITH LIVER DISEASE, PROGRESSIVE; Alpers Syndrome; ALPERS DIFFUSE DEGENERATION OF CEREBRAL GRAY MATTER WITH HEPATIC CIRRHOSIS; Alpers-Huttenlocher Syndrome; Mitochondrial DNA depletion syndrome 4A (Alpers type). Identifiers: Orphanet 726, MedGen C0205710, MONDO:0008758, OMIM 203700.

gnomAD v4.1: 5 of 1,614,164 alleles (0.00031%); highest among the groups gnomAD compares: Middle Eastern, 0.033%; no homozygotes.

Submissions (2):

Labcorp Genetics (formerly Invitae), Labcorp
Classification: Uncertain significance for Progressive sclerosing poliodystrophy. Last evaluated: 2025-07-21. Review status: criteria provided, single submitter. Criteria: Invitae Variant Classification Sherloc (09022015). Collection method: clinical testing. Allele origin: germline.
Comment: This sequence change replaces valine, which is neutral and non-polar, with isoleucine, which is neutral and non-polar, at codon 1088 of the POLG protein (p.Val1088Ile). This variant is not present in population databases (gnomAD no frequency). This variant has not been reported in the literature in individuals affected with POLG-related conditions. Invitae Evidence Modeling of protein sequence and biophysical properties (such as structural, functional, and spatial information, amino acid conservation, physicochemical variation, residue mobility, and thermodynamic stability) has been performed for this missense variant. However, the output from this modeling did not meet the statistical confidence thresholds required to predict the impact of this variant on POLG protein function. In summary, the available evidence is currently insufficient to determine the role of this variant in disease. Therefore, it has been classified as a Variant of Uncertain Significance.

Blueprint Genetics
Classification: Uncertain significance. Last evaluated: 2020-02-29. Review status: criteria provided, single submitter. Criteria: ACMG Guidelines, 2015. Collection method: clinical testing. Allele origin: germline.